The following is an entry in ClinVar:

ClinVar aggregate classification (germline): Uncertain significance (1 of 4 stars; one submission).

Conditions:
Leber congenital amaurosis 8 (LCA8). Identifiers: Orphanet 65, MedGen C3151202, MONDO:0013453, OMIM 613835.
Retinitis pigmentosa 12 (RP12). Also called: RP WITH OR WITHOUT PRESERVED PARAARTERIOLE RETINAL PIGMENT EPITHELIUM; RETINITIS PIGMENTOSA WITH OR WITHOUT PARAARTERIOLAR PRESERVATION OF RETINAL PIGMENT EPITHELIUM; RP WITH OR WITHOUT PPRPE. Identifiers: Orphanet 791, MedGen C1838647, MONDO:0010818, OMIM 600105.

Submission:

Labcorp Genetics (formerly Invitae), Labcorp
Classification: Uncertain significance for Leber congenital amaurosis 8; Retinitis pigmentosa 12. Last evaluated: 2022-08-11. Review status: criteria provided, single submitter. Criteria: Invitae Variant Classification Sherloc (09022015). Collection method: clinical testing. Allele origin: germline.
Comment: This variant has not been reported in the literature in individuals affected with CRB1-related conditions. Advanced modeling of protein sequence and biophysical properties (such as structural, functional, and spatial information, amino acid conservation, physicochemical variation, residue mobility, and thermodynamic stability) performed at Invitae indicates that this missense variant is not expected to disrupt CRB1 protein function. In summary, the available evidence is currently insufficient to determine the role of this variant in disease. Therefore, it has been classified as a Variant of Uncertain Significance. This sequence change replaces serine, which is neutral and polar, with threonine, which is neutral and polar, at codon 635 of the CRB1 protein (p.Ser635Thr). This variant is not present in population databases (gnomAD no frequency).

NM_201253.3(CRB1):c.1903T>A (p.Ser635Thr)

Gene: CRB1 (crumbs cell polarity complex component 1; plus strand). Cytogenetic location: 1q31.3.
Variant type: single nucleotide variant.
Coding change: c.1903T>A on transcript NM_201253.3 (MANE Select); coding-DNA position 1903, T replaced by A.
Protein change: p.Ser635Thr; replaces serine 635 with threonine.
Molecular consequence: missense variant. On other transcripts: non-coding transcript variant (1).
Genome position (GRCh38, 1-based): chr1:197,421,731, T>A. VCF-style: chr1-197421731-T-A. GRCh37 (hg19) VCF-style: chr1-197390861-T-A.
Other names: c.1567T>A, p.Ser523Thr (NM_001193640.2); c.1696T>A, p.Ser566Thr (NM_001257965.2); c.1903T>A, p.Ser635Thr (NM_001257966.2); short protein forms S523T, S566T, S635T.
Identifiers: ClinVar variation 1956864 (VCV001956864.5), dbSNP rs2528112803, ClinGen allele CA344032870.
Genomic context (GRCh38, chr1:197,421,731, plus strand): 5'-GGTTTACCAGTGGGAATGACCAGCAATGGTGTTGCTCTGCTTAACTTCTATAATATGCCA[T>A]CCACACCTTCGTTTGTAGGCTGTCTCCAAGACATTAAAATTGATTGGAATCACATTACCC-3'
Protein context (NP_957705.1, residues 625-645): VALLNFYNMP[Ser635Thr]TPSFVGCLQD